The following is an entry in ClinVar:

NM_001267550.2(TTN):c.1541G>A (p.Arg514Lys)

Gene: TTN (titin; minus strand). Cytogenetic location: 2q31.2.
Variant type: single nucleotide variant.
Coding change: c.1541G>A on transcript NM_001267550.2 (MANE Select); coding-DNA position 1541, G replaced by A.
Protein change: p.Arg514Lys; replaces arginine 514 with lysine.
Molecular consequence: missense variant.
Genome position (GRCh38, 1-based): chr2:178,792,193, C>T on the plus strand (G>A on the coding strand, the complement: TTN is on the minus strand). VCF-style: chr2-178792193-C-T. GRCh37 (hg19) VCF-style: chr2-179656920-C-T.
Other names: c.1541G>A, p.Arg514Lys (NM_001256850.1, NM_003319.4, NM_133378.4 and 3 more transcripts); short protein forms R514K.
Identifiers: ClinVar variation 289446 (VCV000289446.9), dbSNP rs139178471, ClinGen allele CA2006013.

ClinVar aggregate classification (germline): Uncertain significance. Review status: criteria provided, multiple submitters, no conflicts (2 of 4 stars). 4 submissions from 4 submitters: Uncertain significance (4). Last evaluated 2025-06-02.

Conditions:
Cardiomyopathy (CMYO). Also called: Cardiomyopathies. Identifiers: Orphanet 167848, MedGen C0878544, MONDO:0004994, HP:0001638. Inheritance: Various modes of inheritance.
TTN-related disorder. Also called: TTN-related condition; TTN-related disease; TTN-related disorders.

Allele frequency attached by ClinVar (database versions not stated): gnomAD exomes 0.00001; ExAC 0.00003; gnomAD 0.00005 and 0.00006; ESP Exome Variant Server 0.00008; TOPMed 0.00012.
gnomAD v4.1: 17 of 1,605,834 alleles (0.0011%); highest among the groups gnomAD compares: African/African-American, 0.021%; no homozygotes.

Submissions (4):

PreventionGenetics, part of Exact Sciences
Classification: Uncertain significance for TTN-related condition. Last evaluated: 2025-06-02. Review status: criteria provided, single submitter. Criteria: ACMG Guidelines, 2015. Collection method: clinical testing. Allele origin: germline.
Comment: The TTN c.1541G>A variant is predicted to result in the amino acid substitution p.Arg514Lys. To our knowledge, this variant has not been reported in the literature. This variant is reported in 0.028% of alleles in individuals of African descent in gnomAD. At this time, the clinical significance of this variant is uncertain due to the absence of conclusive functional and genetic evidence.

Revvity Omics, Revvity
Classification: Uncertain significance. Last evaluated: 2024-03-06. Review status: criteria provided, single submitter. Criteria: ACMG Guidelines, 2015. Collection method: clinical testing. Allele origin: germline.

CHEO Genetics Diagnostic Laboratory, Children's Hospital of Eastern Ontario
Classification: Uncertain significance for Cardiomyopathy. Last evaluated: 2022-12-12. Review status: criteria provided, single submitter. Criteria: ACMG Guidelines, 2015. Collection method: clinical testing. Allele origin: germline.

Eurofins Ntd Llc (ga)
Classification: Uncertain significance. Last evaluated: 2017-03-30. Review status: criteria provided, single submitter. Criteria: EGL Classification Definitions 2015. Collection method: clinical testing. Allele origin: germline. Observed: 1 variant allele, 1 heterozygote.